The following is an entry in ClinVar:

NM_001378183.1(PIEZO2):c.2665G>T (p.Glu889Ter)

Gene: PIEZO2 (piezo type mechanosensitive ion channel component 2; minus strand). Cytogenetic location: 18p11.22.
Variant type: single nucleotide variant.
Coding change: c.2665G>T on transcript NM_001378183.1 (MANE Select); coding-DNA position 2665, G replaced by T.
Protein change: p.Glu889Ter; replaces glutamic acid 889 with a stop codon.
Molecular consequence: nonsense.
Genome position (GRCh38, 1-based): chr18:10,773,532, C>A on the plus strand (G>T on the coding strand, the complement: PIEZO2 is on the minus strand). VCF-style: chr18-10773532-C-A. GRCh37 (hg19) VCF-style: chr18-10773530-C-A.
Other names: c.2665G>T, p.Glu889Ter (NM_001410871.1); c.2590G>T, p.Glu864Ter (NM_022068.4); short protein forms E864*, E889*.
Identifiers: ClinVar variation 1804826 (VCV001804826.1), dbSNP rs2510697055, ClinGen allele CA401918228.

ClinVar aggregate classification (germline): Likely pathogenic (1 of 4 stars; one submission).

Conditions:
PIEZO2-related disorder. Also called: PIEZO2-related disorders; PIEZO2-related condition.

Submission:

Women's Health and Genetics/Laboratory Corporation of America, LabCorp
Classification: Likely pathogenic for PIEZO2-Related Disorders. Last evaluated: 2022-11-10. Review status: criteria provided, single submitter. Criteria: LabCorp Variant Classification Summary - May 2015. Collection method: clinical testing. Allele origin: germline.
Comment: Variant summary: FAM38B c.2590G>T (p.Glu864X) results in a premature termination codon, predicted to cause a truncation of the encoded protein or absence of the protein due to nonsense mediated decay, which are commonly known mechanisms for disease. Truncations downstream of this position have been classified as pathogenic in ClinVar database. The variant was absent in 145222 control chromosomes (gnomAD). The available data on variant occurrences in the general population are insufficient to allow any conclusion about variant significance. To our knowledge, no occurrence of c.2590G>T in individuals affected with FAM38B-Related Disorders and no experimental evidence demonstrating its impact on protein function have been reported. No clinical diagnostic laboratories have submitted clinical-significance assessments for this variant to ClinVar after 2014. Based on the evidence outlined above, the variant was classified as likely pathogenic.